The following is an entry in ClinVar:

NM_005012.4(ROR1):c.646T>G (p.Ser216Ala)

Gene: ROR1 (receptor tyrosine kinase like orphan receptor 1; plus strand). Cytogenetic location: 1p31.3.
Variant type: single nucleotide variant.
Coding change: c.646T>G on transcript NM_005012.4 (MANE Select); coding-DNA position 646, T replaced by G.
Protein change: p.Ser216Ala; replaces serine 216 with alanine.
Molecular consequence: missense variant.
Genome position (GRCh38, 1-based): chr1:64,140,144, T>G. VCF-style: chr1-64140144-T-G. GRCh37 (hg19) VCF-style: chr1-64605827-T-G.
Other names: c.646T>G, p.Ser216Ala (NM_001083592.2); short protein forms S216A.
Identifiers: ClinVar variation 3641605 (VCV003641605.2).

ClinVar aggregate classification (germline): Uncertain significance (1 of 4 stars; one submission).

gnomAD v4.1: 1 of 1,614,100 alleles (0.000062%); highest among the groups gnomAD compares: Non-Finnish European, 0.000085%; no homozygotes.

Submission:

Labcorp Genetics (formerly Invitae), Labcorp
Classification: Uncertain significance. Last evaluated: 2024-02-17. Review status: criteria provided, single submitter. Criteria: Invitae Variant Classification Sherloc (09022015). Collection method: clinical testing. Allele origin: germline.
Comment: This sequence change replaces serine, which is neutral and polar, with alanine, which is neutral and non-polar, at codon 216 of the ROR1 protein (p.Ser216Ala). This variant is not present in population databases (gnomAD no frequency). This variant has not been reported in the literature in individuals affected with ROR1-related conditions. Advanced modeling of protein sequence and biophysical properties (such as structural, functional, and spatial information, amino acid conservation, physicochemical variation, residue mobility, and thermodynamic stability) performed at Invitae indicates that this missense variant is expected to disrupt ROR1 protein function with a positive predictive value of 80%. In summary, the available evidence is currently insufficient to determine the role of this variant in disease. Therefore, it has been classified as a Variant of Uncertain Significance.